The following is an entry in ClinVar:

ClinVar aggregate classification (germline): Benign/Likely benign. Review status: criteria provided, multiple submitters, no conflicts (2 of 4 stars). 4 submissions from 4 submitters: Benign (2); Likely benign (1). 1 of the submissions does not count toward it. Last evaluated 2025-10-22.

Conditions:
Episodic ataxia type 2 (EA2). Also called: ATAXIA, EPISODIC, WITH NYSTAGMUS; ATAXIA, FAMILIAL PAROXYSMAL; CEREBELLAR ATAXIA, PAROXYSMAL, ACETAZOLAMIDE-RESPONSIVE; CEREBELLOPATHY, HEREDITARY PAROXYSMAL; EPISODIC ATAXIA, NYSTAGMUS-ASSOCIATED; ACETAZOLAMIDE-RESPONSIVE HEREDITARY PAROXYSMAL CEREBELLAR ATAXIA. Identifiers: Orphanet 97, MedGen C1720416, MONDO:0007163, OMIM 108500.
Developmental and epileptic encephalopathy, 42 (DEE42A). Also called: Epileptic encephalopathy, early infantile, 42; DEVELOPMENTAL AND EPILEPTIC ENCEPHALOPATHY 42A; EPILEPTIC ENCEPHALOPATHY, EARLY INFANTILE, 42A. Identifiers: MedGen C4310716, MONDO:0014917, OMIM 617106.
CACNA1A-related disorder. Also called: CACNA1A-related condition.
Inborn genetic diseases. Identifiers: MedGen C0950123, MeSH D030342.

Allele frequency attached by ClinVar (database versions not stated): gnomAD 0.00009; ExAC 0.00012; TOPMed 0.00012; ESP Exome Variant Server 0.00016; gnomAD exomes 0.00017.
gnomAD v4.1: 196 of 1,613,766 alleles (0.012%); highest among the groups gnomAD compares: East Asian, 0.011%; no homozygotes.

Submissions (4):

Labcorp Genetics (formerly Invitae), Labcorp
Classification: Likely benign for Developmental and epileptic encephalopathy, 42; Episodic ataxia type 2. Last evaluated: 2025-10-22. Review status: criteria provided, single submitter. Criteria: Invitae Variant Classification Sherloc (09022015). Collection method: clinical testing. Allele origin: germline.

GeneDx
Classification: Benign. Last evaluated: 2019-10-13. Review status: criteria provided, single submitter. Criteria: GeneDx Variant Classification Process June 2021. Collection method: clinical testing. Allele origin: germline. Affected: yes.

Ambry Genetics
Classification: Benign for Inborn genetic diseases. Last evaluated: 2019-06-07. Review status: criteria provided, single submitter. Criteria: Ambry Variant Classification Scheme 2023. Collection method: clinical testing. Allele origin: germline.

PreventionGenetics, part of Exact Sciences
Classification: Likely benign for CACNA1A-related condition. Last evaluated: 2019-11-13. Review status: no assertion criteria provided. Collection method: clinical testing. Allele origin: germline. Not counted in ClinVar's aggregate classification.
Comment: This variant is classified as likely benign based on ACMG/AMP sequence variant interpretation guidelines (Richards et al. 2015 PMID: 25741868, with internal and published modifications).

Literature cited by the submitters: PubMed 29276004 (cited by Ambry Genetics).

NM_001127222.2(CACNA1A):c.3701G>A (p.Arg1234His)

Gene: CACNA1A (calcium voltage-gated channel subunit alpha1 A; minus strand). Cytogenetic location: 19p13.13.
Variant type: single nucleotide variant.
Coding change: c.3701G>A on transcript NM_001127222.2 (MANE Select); coding-DNA position 3701, G replaced by A.
Protein change: p.Arg1234His; replaces arginine 1234 with histidine.
Molecular consequence: missense variant.
Genome position (GRCh38, 1-based): chr19:13,283,388, C>T on the plus strand (G>A on the coding strand, the complement: CACNA1A is on the minus strand). VCF-style: chr19-13283388-C-T. GRCh37 (hg19) VCF-style: chr19-13394202-C-T.
Other names: c.3713G>A, p.Arg1238His (NM_000068.4, NM_023035.3); c.3704G>A, p.Arg1235His (NM_001127221.2, NM_001174080.2); c.3701G>A (NM_001127222.1); short protein forms R1235H, R1234H, R1238H.
Identifiers: ClinVar variation 422169 (VCV000422169.16), dbSNP rs373183625, ClinGen allele CA9240205.